The following is an entry in ClinVar:

ClinVar aggregate classification (germline): Pathogenic. Review status: reviewed by expert panel (3 of 4 stars). 2 submissions from 2 submitters: Pathogenic (1). 1 of the submissions does not count toward it. Last evaluated 2016-09-08.

Conditions:
Breast-ovarian cancer, familial, susceptibility to, 2 (BROVCA2). Also called: BRCA2 Hereditary Breast and Ovarian Cancer. Identifiers: Orphanet 145, MedGen C2675520, MONDO:0012933, OMIM 612555. Disease mechanism: loss of function.

Submissions (2):

Evidence-based Network for the Interpretation of Germline Mutant Alleles (ENIGMA)
Classification: Pathogenic for Breast-ovarian cancer, familial, susceptibility to, 2. Last evaluated: 2016-09-08. Review status: reviewed by expert panel. Criteria: ENIGMA BRCA1/2 Classification Criteria (2015). Collection method: curation. Allele origin: germline.
Comment: Variant allele predicted to encode a truncated non-functional protein.

Breast Cancer Information Core (BIC) (BRCA2)
Classification: Pathogenic for Breast-ovarian cancer, familial 2. Review status: no assertion criteria provided. Collection method: clinical testing. Allele origin: unknown. Affected: yes. Observed: 1 variant allele. Not counted in ClinVar's aggregate classification.

NM_000059.4(BRCA2):c.2810_2811del (p.Gln937fs)

Gene: BRCA2 (BRCA2 DNA repair associated; plus strand). Cytogenetic location: 13q13.1.
Variant type: Deletion.
Coding change: c.2810_2811del on transcript NM_000059.4 (MANE Select); coding-DNA positions 2810 to 2811, 2 bases deleted (AA; older notation c.2810_2811delAA).
Protein change: p.Gln937fs; shifts the reading frame from glutamine 937.
Molecular consequence: frameshift variant.
Genome position (GRCh38, 1-based): chr13:32,337,165-32,337,166, AA deleted. VCF-style (leftmost placement, unchanged base first): chr13-32337164-CAA-C. GRCh37 (hg19) VCF-style: chr13-32911301-CAA-C.
Other names: 3038delAA; c.2810_2811delAA (NM_000059.3); short protein forms Q937fs.
Identifiers: ClinVar variation 51351 (VCV000051351.4), dbSNP rs80359353, ClinGen allele CA016463.